The following is an entry in ClinVar:

ClinVar aggregate classification (germline): Pathogenic. Review status: criteria provided, multiple submitters, no conflicts (2 of 4 stars). 3 submissions from 3 submitters: Pathogenic (3). Last evaluated 2025-12-18.

Conditions:
Inborn genetic diseases. Identifiers: MedGen C0950123, MeSH D030342.
Tumor predisposition syndrome 2 (TPDS2). Also called: MBD4-ASSOCIATED NEOPLASIA SYNDROME; MBD4-Related Tumor Predisposition Syndrome; MBD4-associated neoplasia syndrome (MANS). Identifiers: Orphanet 661526, MedGen C5774186, MONDO:0859267, OMIM 619975.

Allele frequency attached by ClinVar (database versions not stated): gnomAD exomes below 0.00001; TOPMed below 0.00001; gnomAD 0.00002.

Submissions (3):

Myriad Genetics, Inc.
Classification: Pathogenic for Tumor predisposition syndrome 2. Last evaluated: 2025-12-18. Review status: criteria provided, single submitter. Criteria: Myriad Autosomal Dominant, Autosomal Recessive and X-Linked Classification Criteria (2023). Collection method: clinical testing. Allele origin: unknown.
Comment: This variant is considered pathogenic. This variant creates a frameshift predicted to result in premature protein truncation.

Labcorp Genetics (formerly Invitae), Labcorp
Classification: Pathogenic. Last evaluated: 2025-11-13. Review status: criteria provided, single submitter. Criteria: Invitae Variant Classification Sherloc (09022015). Collection method: clinical testing. Allele origin: germline.
Comment: This sequence change creates a premature translational stop signal (p.Thr77Asnfs*8) in the MBD4 gene. It is expected to result in an absent or disrupted protein product. Loss-of-function variants in MBD4 are known to be pathogenic (PMID: 30049810, 35460607). This variant is not present in population databases (gnomAD no frequency). This variant has not been reported in the literature in individuals affected with MBD4-related conditions. ClinVar contains an entry for this variant (Variation ID: 2798240). For these reasons, this variant has been classified as Pathogenic.

Ambry Genetics
Classification: Pathogenic for Inborn genetic diseases. Last evaluated: 2025-01-16. Review status: criteria provided, single submitter. Criteria: Ambry Variant Classification Scheme 2023. Collection method: clinical testing. Allele origin: germline.
Comment: The c.229dupA pathogenic mutation, located in coding exon 2 of the MBD4 gene, results from a duplication of A at nucleotide position 229, causing a translational frameshift with a predicted alternate stop codon (p.T77Nfs*8). This variant is considered to be rare based on population cohorts in the Genome Aggregation Database (gnomAD). This alteration is expected to result in loss of function by premature protein truncation or nonsense-mediated mRNA decay. As such, this alteration is interpreted as a disease-causing mutation.

Literature cited by the submitters: PubMed 30049810 (cited by Labcorp Genetics (formerly Invitae), Labcorp); PubMed 35460607 (cited by Labcorp Genetics (formerly Invitae), Labcorp).

NM_001276270.2(MBD4):c.229dup (p.Thr77fs)

Gene: MBD4 (methyl-CpG binding domain 4, DNA glycosylase; minus strand). Cytogenetic location: 3q21.3.
Variant type: Duplication.
Coding change: c.229dup on transcript NM_001276270.2 (MANE Select); coding-DNA position 229, one base duplicated (A; older notation c.229dupA).
Protein change: p.Thr77fs; shifts the reading frame from threonine 77.
Molecular consequence: frameshift variant.
Genome position (GRCh38, 1-based): chr3:129,437,826, T duplicated on the plus strand (A on the coding strand, the reverse complement: MBD4 is on the minus strand). VCF-style (leftmost placement, unchanged base first): chr3-129437825-G-GT. GRCh37 (hg19) VCF-style: chr3-129156668-G-GT.
Other names: c.229dup, p.Thr77fs (NM_001276271.2, NM_001276272.2, NM_001276273.2 and 1 more transcripts); c.229dupA (NM_001276270.2); short protein forms T77fs.
Identifiers: ClinVar variation 2798240 (VCV002798240.5), dbSNP rs2072496202, ClinGen allele CA1053443879.